The following is an entry in ClinVar:

NM_032119.4(ADGRV1):c.633_634del (p.Arg211fs)

Gene: ADGRV1 (adhesion G protein-coupled receptor V1; plus strand). Cytogenetic location: 5q14.3.
Variant type: Microsatellite.
Coding change: c.633_634del on transcript NM_032119.4 (MANE Select); coding-DNA positions 633 to 634, 2 bases deleted (AG; older notation c.633_634delAG).
Protein change: p.Arg211fs; shifts the reading frame from arginine 211.
Molecular consequence: frameshift variant. On other transcripts: non-coding transcript variant (1).
Genome position (GRCh38, 1-based): chr5:90,625,204-90,625,205, AG deleted; deleting any 2 consecutive bases within chr5:90,625,202-90,625,205 gives the same sequence; the c. name uses the placement nearest the transcript's 3' end. VCF-style (leftmost placement, unchanged base first): chr5-90625201-CAG-C. GRCh37 (hg19) VCF-style: chr5-89921018-CAG-C.
Other names: short protein forms R211fs.
Identifiers: ClinVar variation 2087605 (VCV002087605.4), dbSNP rs2531786446, ClinGen allele CA2580613605.
Genomic context (GRCh38, chr5:90,625,201, plus strand): 5'-CCCAAATCCCCCTGATGAAGATTTGAGTCCAGTTAAAGGAAATATCACCTTTCCCCCTGG[CAG>C]AGCAACAGTAATTTATAACTTGACAGTACTCGATGACGAGGTTGGCTAATGTTACATACC-3'

ClinVar aggregate classification (germline): Pathogenic (1 of 4 stars; one submission).

Submission:

Labcorp Genetics (formerly Invitae), Labcorp
Classification: Pathogenic. Last evaluated: 2022-01-18. Review status: criteria provided, single submitter. Criteria: Invitae Variant Classification Sherloc (09022015). Collection method: clinical testing. Allele origin: germline.
Comment: This variant has not been reported in the literature in individuals affected with ADGRV1-related conditions. This variant is not present in population databases (gnomAD no frequency). This sequence change creates a premature translational stop signal (p.Arg211Serfs*6) in the ADGRV1 gene. It is expected to result in an absent or disrupted protein product. Loss-of-function variants in ADGRV1 are known to be pathogenic (PMID: 19357117, 22135276, 22147658, 26226137, 26667666, 30029497, 32467589). For these reasons, this variant has been classified as Pathogenic.

Literature cited by the submitters: PubMed 19357117; PubMed 22135276; PubMed 22147658; PubMed 26226137; PubMed 26667666; PubMed 30029497; PubMed 32467589.